The following is an entry in ClinVar:

NM_000440.3(PDE6A):c.1171G>A (p.Val391Met)

Gene: PDE6A (phosphodiesterase 6A; minus strand). Cytogenetic location: 5q32.
Variant type: single nucleotide variant.
Coding change: c.1171G>A on transcript NM_000440.3 (MANE Select); coding-DNA position 1171, G replaced by A.
Protein change: p.Val391Met; replaces valine 391 with methionine.
Molecular consequence: missense variant.
Genome position (GRCh38, 1-based): chr5:149,899,467, C>T on the plus strand (G>A on the coding strand, the complement: PDE6A is on the minus strand). VCF-style: chr5-149899467-C-T. GRCh37 (hg19) VCF-style: chr5-149279030-C-T.
Other names: short protein forms V391M.
Identifiers: ClinVar variation 440030 (VCV000440030.26), dbSNP rs61732059, ClinGen allele CA3504765.
Genomic context (GRCh38, chr5:149,899,467, plus strand): 5'-GCTTCCCATCTTTACGATTGTAAAATGTGGCCACTCCAACAATTTCTTCCTTCTTGTTCA[C>T]AATCGGCATTGAAAGCACATTTTTAATCATCCATCCAGACTCATCCAGAGGTTCTTTCTA-3'
Protein context (NP_000431.2, residues 381-401): MIKNVLSMPI[Val391Met]NKKEEIVGVA

ClinVar aggregate classification (germline): Benign/Likely benign. Review status: criteria provided, multiple submitters, no conflicts (2 of 4 stars). 5 submissions from 5 submitters: Benign (3); Likely benign (2). Last evaluated 2026-02-01.

Conditions:
Retinitis pigmentosa 43 (RP43). Identifiers: Orphanet 791, MedGen C3151139, MONDO:0013437, OMIM 613810.
Retinitis pigmentosa (RP). Identifiers: Orphanet 791, MedGen C0035334, MeSH D012174, MONDO:0019200, OMIM 268000. Inheritance: Autosomal dominant, autosomal recessive and X linked inheritance.

Allele frequency attached by ClinVar (database versions not stated): 1000 Genomes Project 30x 0.01671; ESP Exome Variant Server 0.01699; gnomAD 0.01720 and 0.01600; TOPMed 0.01867; gnomAD exomes 0.00176 and 0.00428; ExAC 0.00482; 1000 Genomes Project 0.01637.
gnomAD v4.1: 5,130 of 1,614,084 alleles (0.32%); highest among the groups gnomAD compares: African/African-American, 5.7%; 133 homozygotes.

Submissions (5):

Labcorp Genetics (formerly Invitae), Labcorp
Classification: Benign. Last evaluated: 2026-02-01. Review status: criteria provided, single submitter. Criteria: Invitae Variant Classification Sherloc (09022015). Collection method: clinical testing. Allele origin: germline.

ARUP Laboratories, Molecular Genetics and Genomics, ARUP Laboratories
Classification: Benign for Retinitis pigmentosa 43. Last evaluated: 2020-06-19. Review status: criteria provided, single submitter. Criteria: ARUP Molecular Germline Variant Investigation Process. Collection method: clinical testing. Allele origin: germline.

Illumina Laboratory Services, Illumina
Classification: Likely benign for Retinitis pigmentosa. Last evaluated: 2017-04-27. Review status: criteria provided, single submitter. Criteria: ICSL Variant Classification Criteria 13 December 2019. Collection method: clinical testing. Allele origin: germline.
Comment: This variant was observed as part of a predisposition screen in an ostensibly healthy population. A literature search was performed for the gene, cDNA change, and amino acid change (where applicable). Publications were found based on this search. The evidence from the literature, in combination with allele frequency data from public databases where available, was sufficient to determine this variant is unlikely to cause disease. Therefore, this variant is classified as likely benign.

GeneDx
Classification: Benign. Last evaluated: 2015-03-03. Review status: criteria provided, single submitter. Criteria: GeneDx Variant Classification Process June 2021. Collection method: clinical testing. Allele origin: germline. Affected: yes.

Breakthrough Genomics
Classification: Likely benign. Review status: criteria provided, single submitter. Criteria: ACMG Guidelines, 2015. Collection method: not provided. Allele origin: germline. Inheritance: Unknown mechanism. Affected: yes.

Literature cited by the submitters: PubMed 10393062 (cited by Illumina Laboratory Services, Illumina); PubMed 25999674 (cited by Illumina Laboratory Services, Illumina).